The following is an entry in ClinVar:

ClinVar aggregate classification (germline): Uncertain significance (1 of 4 stars; one submission).

Conditions:
Hereditary cancer-predisposing syndrome. Also called: Hereditary Cancer Syndrome; Neoplastic Syndromes, Hereditary; Tumor predisposition; Hereditary neoplastic syndrome. Identifiers: Orphanet 140162, MedGen C0027672, MeSH D009386, MONDO:0015356.

Submission:

Color Diagnostics, LLC DBA Color Health
Classification: Uncertain significance for Hereditary cancer-predisposing syndrome. Last evaluated: 2023-12-05. Review status: criteria provided, single submitter. Criteria: ACMG Guidelines, 2015. Collection method: clinical testing. Allele origin: germline.
Comment: This missense variant replaces glutamic acid with lysine at codon 1991 of the APC protein. Computational prediction suggests that this variant may not impact protein structure and function (internally defined REVEL score threshold <= 0.5, PMID: 27666373). To our knowledge, functional studies have not been reported for this variant. This variant has not been reported in individuals affected with APC-related disorders in the literature. This variant has not been identified in the general population by the Genome Aggregation Database (gnomAD). The available evidence is insufficient to determine the role of this variant in disease conclusively. Therefore, this variant is classified as a Variant of Uncertain Significance.

NM_000038.6(APC):c.5971G>A (p.Glu1991Lys)

Gene: APC (APC regulator of Wnt signaling pathway; plus strand). Cytogenetic location: 5q22.2.
Variant type: single nucleotide variant.
Coding change: c.5971G>A on transcript NM_000038.6 (MANE Select); coding-DNA position 5971, G replaced by A.
Protein change: p.Glu1991Lys; replaces glutamic acid 1991 with lysine.
Molecular consequence: missense variant.
Genome position (GRCh38, 1-based): chr5:112,841,565, G>A. VCF-style: chr5-112841565-G-A. GRCh37 (hg19) VCF-style: chr5-112177262-G-A.
Other names: c.5971G>A, p.Glu1991Lys (NM_001127510.3, NM_001354895.2); c.5917G>A, p.Glu1973Lys (NM_001127511.3); c.6025G>A, p.Glu2009Lys (NM_001354896.2); c.6001G>A, p.Glu2001Lys (NM_001354897.2); c.5896G>A, p.Glu1966Lys (NM_001354898.2); c.5887G>A, p.Glu1963Lys (NM_001354899.2); c.5848G>A, p.Glu1950Lys (NM_001354900.2); c.5794G>A, p.Glu1932Lys (NM_001354901.2); and 5 more; short protein forms E1973K, E1991K, E2009K, E1708K, E1865K, E1963K, E1831K, E1932K.
Identifiers: ClinVar variation 489473 (VCV000489473.6), dbSNP rs780665640, ClinGen allele CA16034403.
Genomic context (GRCh38, chr5:112,841,565, plus strand): 5'-TCTCTCAGTGACATTGACCAAGAAAACAACAATAAAGAAAATGAACCTATCAAAGAGACT[G>A]AGCCCCCTGACTCACAGGGAGAACCAAGTAAACCTCAAGCATCAGGCTATGCTCCTAAAT-3'
Protein context (NP_000029.2, residues 1981-2001): NKENEPIKET[Glu1991Lys]PPDSQGEPSK